The following is an entry in ClinVar:

NM_019032.6(ADAMTSL4):c.2413A>G (p.Ser805Gly)

Gene: ADAMTSL4 (ADAMTS like 4; plus strand). Cytogenetic location: 1q21.2.
Variant type: single nucleotide variant.
Coding change: c.2413A>G on transcript NM_019032.6 (MANE Select); coding-DNA position 2413, A replaced by G.
Protein change: p.Ser805Gly; replaces serine 805 with glycine.
Molecular consequence: missense variant.
Genome position (GRCh38, 1-based): chr1:150,558,503, A>G. VCF-style: chr1-150558503-A-G. GRCh37 (hg19) VCF-style: chr1-150530979-A-G.
Other names: c.2296A>G, p.Ser766Gly (NM_001288607.2); c.2482A>G, p.Ser828Gly (NM_001288608.2); c.2413A>G, p.Ser805Gly (NM_001378596.1, NM_025008.5); c.2413A>G (NM_019032.4); short protein forms S828G, S766G, S805G.
Identifiers: ClinVar variation 1509859 (VCV001509859.4), dbSNP rs768932013, ClinGen allele CA1078670.

ClinVar aggregate classification (germline): Uncertain significance. Review status: criteria provided, multiple submitters, no conflicts (2 of 4 stars). 2 submissions from 2 submitters: Uncertain significance (2). Last evaluated 2025-04-15.

Conditions:
Inborn genetic diseases. Identifiers: MedGen C0950123, MeSH D030342.

Allele frequency attached by ClinVar (database versions not stated): gnomAD 0.00001; gnomAD exomes 0.00003 and 0.00002; TOPMed 0.00001; ExAC 0.00001.
gnomAD v4.1: 34 of 1,613,640 alleles (0.0021%); highest among the groups gnomAD compares: Non-Finnish European, 0.0025%; no homozygotes.

Submissions (2):

Ambry Genetics
Classification: Uncertain significance for Inborn genetic diseases. Last evaluated: 2025-04-15. Review status: criteria provided, single submitter. Criteria: Ambry Variant Classification Scheme 2023. Collection method: clinical testing. Allele origin: germline.

Labcorp Genetics (formerly Invitae), Labcorp
Classification: Uncertain significance. Last evaluated: 2022-01-18. Review status: criteria provided, single submitter. Criteria: Invitae Variant Classification Sherloc (09022015). Collection method: clinical testing. Allele origin: germline.
Comment: This sequence change replaces serine, which is neutral and polar, with glycine, which is neutral and non-polar, at codon 805 of the ADAMTSL4 protein (p.Ser805Gly). This variant is present in population databases (rs768932013, gnomAD 0.004%). This variant has not been reported in the literature in individuals affected with ADAMTSL4-related conditions. Algorithms developed to predict the effect of missense changes on protein structure and function are either unavailable or do not agree on the potential impact of this missense change (SIFT: "Deleterious"; PolyPhen-2: "Benign"; Align-GVGD: "Class C55"). In summary, the available evidence is currently insufficient to determine the role of this variant in disease. Therefore, it has been classified as a Variant of Uncertain Significance.